The following is an entry in ClinVar:

NM_024580.6(EFL1):c.2147C>T (p.Ala716Val)

Gene: EFL1 (elongation factor like GTPase 1; minus strand). Cytogenetic location: 15q25.2.
Variant type: single nucleotide variant.
Coding change: c.2147C>T on transcript NM_024580.6 (MANE Select); coding-DNA position 2147, C replaced by T.
Protein change: p.Ala716Val; replaces alanine 716 with valine.
Molecular consequence: missense variant. On other transcripts: non-coding transcript variant (1).
Genome position (GRCh38, 1-based): chr15:82,152,307, G>A on the plus strand (C>T on the coding strand, the complement: EFL1 is on the minus strand). VCF-style: chr15-82152307-G-A. GRCh37 (hg19) VCF-style: chr15-82444648-G-A.
Other names: c.1994C>T, p.Ala665Val (NM_001040610.3); c.1358C>T, p.Ala453Val (NM_001322844.2); c.2147C>T, p.Ala716Val (NM_001322845.2); short protein forms A665V, A716V, A453V.
Identifiers: ClinVar variation 2086757 (VCV002086757.4), dbSNP rs1467305865, ClinGen allele CA393288923.

ClinVar aggregate classification (germline): Uncertain significance (1 of 4 stars; one submission).

Submission:

Labcorp Genetics (formerly Invitae), Labcorp
Classification: Uncertain significance. Last evaluated: 2022-01-28. Review status: criteria provided, single submitter. Criteria: Invitae Variant Classification Sherloc (09022015). Collection method: clinical testing. Allele origin: germline.
Comment: This sequence change replaces alanine, which is neutral and non-polar, with valine, which is neutral and non-polar, at codon 716 of the EFL1 protein (p.Ala716Val). This variant is not present in population databases (gnomAD no frequency). In summary, the available evidence is currently insufficient to determine the role of this variant in disease. Therefore, it has been classified as a Variant of Uncertain Significance. Algorithms developed to predict the effect of missense changes on protein structure and function are either unavailable or do not agree on the potential impact of this missense change (SIFT: "Deleterious"; PolyPhen-2: "Benign"; Align-GVGD: "Class C0"). This variant has not been reported in the literature in individuals affected with EFL1-related conditions.